The following is an entry in ClinVar:

NM_000535.7(PMS2):c.1333A>G (p.Ser445Gly)

Gene: PMS2 (PMS1 homolog 2, mismatch repair system component; minus strand). Cytogenetic location: 7p22.1.
Variant type: single nucleotide variant.
Coding change: c.1333A>G on transcript NM_000535.7 (MANE Select); coding-DNA position 1333, A replaced by G.
Protein change: p.Ser445Gly; replaces serine 445 with glycine.
Molecular consequence: missense variant. On other transcripts: non-coding transcript variant (1), intron variant (1).
Genome position (GRCh38, 1-based): chr7:5,987,432, T>C on the plus strand (A>G on the coding strand, the complement: PMS2 is on the minus strand). VCF-style: chr7-5987432-T-C. GRCh37 (hg19) VCF-style: chr7-6027063-T-C.
Other names: c.400A>G, p.Ser134Gly (NM_001322012.2, NM_001322011.2); c.760A>G, p.Ser254Gly (NM_001322013.2, NM_001406909.1); c.1333A>G, p.Ser445Gly (NM_001322014.2, NM_001406871.1, NM_001406872.1); c.1024A>G, p.Ser342Gly (NM_001322015.2, NM_001406882.1, NM_001406875.1 and 5 more transcripts); c.1519A>G, p.Ser507Gly (NM_001406866.1); c.1357A>G, p.Ser453Gly (NM_001406868.1); c.1225A>G, p.Ser409Gly (NM_001406869.1); c.1177A>G, p.Ser393Gly (NM_001406870.1, NM_001322006.2); and 13 more; short protein forms S134G, S254G, S258G, S323G, S379G, S445G, S188G, S274G.
Identifiers: ClinVar variation 5026879 (VCV005026879.1).

ClinVar aggregate classification (germline): Uncertain significance (1 of 4 stars; one submission).

Conditions:
Hereditary cancer-predisposing syndrome. Also called: Neoplastic Syndromes, Hereditary; Tumor predisposition; Hereditary neoplastic syndrome; Hereditary Cancer Syndrome. Identifiers: Orphanet 140162, MedGen C0027672, MeSH D009386, MONDO:0015356.

gnomAD v4.1: 2 of 1,614,110 alleles (0.00012%); highest among the groups gnomAD compares: South Asian, 0.0022%; no homozygotes.

Submission:

Ambry Genetics
Classification: Uncertain significance for Hereditary cancer-predisposing syndrome. Last evaluated: 2026-07-07. Review status: criteria provided, single submitter. Criteria: Ambry Variant Classification Scheme 2023. Collection method: clinical testing. Allele origin: germline.
Comment: The p.S445G variant (also known as c.1333A>G), located in coding exon 11 of the PMS2 gene, results from an A to G substitution at nucleotide position 1333. The serine at codon 445 is replaced by glycine, an amino acid with similar properties. This amino acid position is conserved. In addition, this alteration is predicted to be tolerated by in silico analysis. Based on the available evidence, the clinical significance of this variant remains unclear.